The following is an entry in ClinVar:

NM_020975.6(RET):c.1103G>A (p.Arg368His)

Gene: RET (ret proto-oncogene; plus strand). Cytogenetic location: 10q11.21.
Variant type: single nucleotide variant.
Coding change: c.1103G>A on transcript NM_020975.6 (MANE Select); coding-DNA position 1103, G replaced by A.
Protein change: p.Arg368His; replaces arginine 368 with histidine.
Molecular consequence: missense variant.
Genome position (GRCh38, 1-based): chr10:43,109,070, G>A. VCF-style: chr10-43109070-G-A. GRCh37 (hg19) VCF-style: chr10-43604518-G-A.
Other names: c.1103G>A, p.Arg368His (NM_000323.2, NM_001406743.1, NM_001406744.1 and 6 more transcripts); c.341G>A, p.Arg114His (NM_001355216.2); c.974G>A, p.Arg325His (NM_001406761.1, NM_001406762.1, NM_001406764.1 and 1 more transcripts); c.815G>A, p.Arg272His (NM_001406766.1, NM_001406767.1, NM_001406770.1); c.665G>A, p.Arg222His (NM_001406771.1, NM_001406773.1); c.377G>A, p.Arg126His (NM_001406775.1, NM_001406776.1, NM_001406777.1 and 1 more transcripts); c.113G>A, p.Arg38His (NM_001406784.1); short protein forms R368H, R114H, R325H, R222H, R38H, R272H, R126H.
Identifiers: ClinVar variation 216712 (VCV000216712.21), dbSNP rs199529397, ClinGen allele CA031602.

ClinVar aggregate classification (germline): Conflicting classifications of pathogenicity. Review status: criteria provided, conflicting classifications (1 of 4 stars). 8 submissions from 8 submitters: Uncertain significance (7); Likely benign (1). Last evaluated 2026-04-22.

Conditions:
Pheochromocytoma. Also called: MAX-Related Hereditary Paraganglioma-Pheochromocytoma Syndrome. Identifiers: Orphanet 29072, MedGen C0031511, MONDO:0008233, OMIM 171300, HP:0002666.
Hirschsprung disease, susceptibility to, 1 (HSCR1). Also called: RET-Related Hirschsprung Disease. Identifiers: Orphanet 388, MedGen C3888239, MONDO:0007723, OMIM 142623.
Familial medullary thyroid carcinoma (MTC). Also called: Thyroid cancer, familial medullary; MTC, familial; Familial Medullary Thyroid Carcinoma (FMTC). Identifiers: Orphanet 653, Orphanet 99361, MedGen C1833921, MONDO:0007958, OMIM 155240.
Multiple endocrine neoplasia type 2B. Also called: WAGENMANN-FROBOESE SYNDROME; MULTIPLE ENDOCRINE NEOPLASIA, TYPE III; MEN 2B; MUCOSAL NEUROMA SYNDROME; MULTIPLE ENDOCRINE NEOPLASIA, TYPE IIB; MEN IIB. Identifiers: Orphanet 247709, Orphanet 653, MedGen C0025269, MeSH D018814, MONDO:0008082, OMIM 162300.
Multiple endocrine neoplasia type 2A. Also called: MULTIPLE ENDOCRINE NEOPLASIA, TYPE IIA; PTC SYNDROME; SIPPLE SYNDROME; MEN 2A; MEN-2A syndrome; Pheochromocytoma and amyloid producing medullary thyroid carcinoma. Identifiers: Orphanet 247698, Orphanet 653, MedGen C0025268, MeSH D018813, MONDO:0008234, OMIM 171400.
RET-related disorder. Also called: RET-related disorders; RET-related condition; RET-related disease.
Hereditary cancer-predisposing syndrome. Also called: Tumor predisposition; Hereditary neoplastic syndrome; Neoplastic Syndromes, Hereditary; Hereditary Cancer Syndrome. Identifiers: Orphanet 140162, MedGen C0027672, MeSH D009386, MONDO:0015356.
Multiple endocrine neoplasia, type 2 (MEN2). Identifiers: Orphanet 653, MedGen C4048306, MONDO:0019003. Disease mechanism: gain of function.

Allele frequency attached by ClinVar (database versions not stated): gnomAD exomes 0.00003 and 0.00006; TOPMed 0.00004; gnomAD 0.00005 and 0.00006; ExAC 0.00007; ESP Exome Variant Server 0.00008.
gnomAD v4.1: 48 of 1,613,468 alleles (0.003%); highest among the groups gnomAD compares: African/African-American, 0.0027%; no homozygotes.

Submissions (8):

PreventionGenetics, part of Exact Sciences
Classification: Uncertain significance for RET-related condition. Last evaluated: 2026-04-22. Review status: criteria provided, single submitter. Criteria: ACMG Guidelines, 2015. Collection method: clinical testing. Allele origin: germline.
Comment: The RET c.1103G>A variant is predicted to result in the amino acid substitution p.Arg368His. To our knowledge, this variant has not been reported in the literature as germline in individuals with RET-associated conditions. This variant is reported in 0.036% of alleles in individuals of European (Finnish) descent in gnomAD, which may be too frequent to be a primary cause of disease. In ClinVar database, this variant is interpreted as uncertain (Variation ID: 216712). Although we suspect that this variant may be benign, at this time, the clinical significance of this variant is uncertain due to the absence of conclusive functional and genetic evidence.

Labcorp Genetics (formerly Invitae), Labcorp
Classification: Uncertain significance for Multiple endocrine neoplasia, type 2. Last evaluated: 2026-01-20. Review status: criteria provided, single submitter. Criteria: Invitae Variant Classification Sherloc (09022015). Collection method: clinical testing. Allele origin: germline.
Comment: This sequence change replaces arginine, which is basic and polar, with histidine, which is basic and polar, at codon 368 of the RET protein (p.Arg368His). This variant is present in population databases (rs199529397, gnomAD 0.05%), and has an allele count higher than expected for a pathogenic variant. This variant has not been reported in the literature in individuals affected with RET-related conditions. ClinVar contains an entry for this variant (Variation ID: 216712). An algorithm developed to predict the effect of missense changes on protein structure and function (PolyPhen-2) suggests that this variant is likely to be disruptive. In summary, the available evidence is currently insufficient to determine the role of this variant in disease. Therefore, it has been classified as a Variant of Uncertain Significance.

Color Diagnostics, LLC DBA Color Health
Classification: Uncertain significance for Multiple endocrine neoplasia, type 2. Last evaluated: 2025-05-13. Review status: criteria provided, single submitter. Criteria: ACMG Guidelines, 2015. Collection method: clinical testing. Allele origin: germline.
Comment: This missense variant replaces arginine with histidine at codon 368 of the RET protein. Computational prediction suggests that this variant may not impact protein structure and function. To our knowledge, functional studies have not been reported for this variant. This variant has not been reported in individuals affected with RET-related disorders in the literature. This variant has been identified in 18/282114 chromosomes in the general population by the Genome Aggregation Database (gnomAD). The available evidence is insufficient to determine the role of this variant in disease conclusively. Therefore, this variant is classified as a Variant of Uncertain Significance.

Ambry Genetics
Classification: Uncertain significance for Hereditary cancer-predisposing syndrome. Last evaluated: 2025-03-04. Review status: criteria provided, single submitter. Criteria: Ambry Variant Classification Scheme 2023. Collection method: clinical testing. Allele origin: germline.
Comment: The p.R368H variant (also known as c.1103G>A), located in coding exon 6 of the RET gene, results from a G to A substitution at nucleotide position 1103. The arginine at codon 368 is replaced by histidine, an amino acid with highly similar properties. This amino acid position is well conserved in available vertebrate species. In addition, this alteration is predicted to be tolerated by in silico analysis. Based on data from gnomAD, the frequency for this variant is above the maximum credible frequency for a disease-causing variant in association with MEN2 based on internally established thresholds (Karczewski et al. Nature. 2020 May;581(7809):434-443; Whiffin et al. Genet Med. 2017 10;19:1151-1158). Based on the supporting evidence, the association of this alteration with Hirschsprung disease is unknown; however, the association of this alteration with MEN2 is unlikely.

All of Us Research Program, National Institutes of Health
Classification: Uncertain significance for Multiple endocrine neoplasia, type 2. Last evaluated: 2024-06-11. Review status: criteria provided, single submitter. Criteria: ACMG Guidelines, 2015. Collection method: clinical testing. Allele origin: germline. Inheritance: Autosomal dominant inheritance. Observed: 3 variant alleles, 3 heterozygotes.
Comment: This study involves interpretation of variants in research participants for the purpose of population health screening. Participant phenotype was not available at the time of variant classification. Additional details can be found in publication PMID: 35346344, PMCID: PMC8962531

Blueprint Genetics
Classification: Likely benign. Last evaluated: 2024-02-05. Review status: criteria provided, single submitter. Criteria: ACMG Guidelines, 2015. Collection method: clinical testing. Allele origin: germline.

Fulgent Genetics
Classification: Uncertain significance for Hirschsprung disease, susceptibility to, 1; Familial medullary thyroid carcinoma; Multiple endocrine neoplasia type 2B; Pheochromocytoma; Multiple endocrine neoplasia type 2A. Last evaluated: 2024-01-05. Review status: criteria provided, single submitter. Criteria: ACMG Guidelines, 2015. Collection method: clinical testing. Allele origin: germline.

Baylor Genetics
Classification: Uncertain significance for Hirschsprung disease, susceptibility to, 1. Last evaluated: 2023-06-27. Review status: criteria provided, single submitter. Criteria: ACMG Guidelines, 2015. Collection method: clinical testing. Allele origin: unknown.